The following is an entry in ClinVar:

ClinVar aggregate classification (germline): Likely pathogenic (1 of 4 stars; one submission).

Conditions:
Primary hyperoxaluria type 3. Also called: PH III. Identifiers: Orphanet 416, Orphanet 93600, MedGen C3150878, MONDO:0013327, OMIM 613616. Disease mechanism: loss of function.

Submission:

Clinical Biochemistry Laboratory, Health Services Laboratory
Classification: Likely pathogenic for Primary hyperoxaluria type 3. Last evaluated: 2023-10-27. Review status: criteria provided, single submitter. Criteria: ACMG Guidelines, 2015. Collection method: curation. Allele origin: germline. Affected: yes.
Comment: ACMG:PM2 PM5 PP3 PP4 BP1

Literature cited by the submitters: PubMed 33350326.

NM_138413.4(HOGA1):c.356T>A (p.Val119Glu)

Gene: HOGA1 (4-hydroxy-2-oxoglutarate aldolase 1; plus strand). Cytogenetic location: 10q24.2.
Variant type: single nucleotide variant.
Coding change: c.356T>A on transcript NM_138413.4 (MANE Select); coding-DNA position 356, T replaced by A.
Protein change: p.Val119Glu; replaces valine 119 with glutamic acid.
Molecular consequence: missense variant. On other transcripts: intron variant (1).
Genome position (GRCh38, 1-based): chr10:97,599,104, T>A. VCF-style: chr10-97599104-T-A. GRCh37 (hg19) VCF-style: chr10-99358861-T-A.
Other names: c.212-2753T>A (NM_001134670.2); short protein forms V119E.
Identifiers: ClinVar variation 2664389 (VCV002664389.1), dbSNP rs2540074585, ClinGen allele CA377977180.